The following is an entry in ClinVar:

ClinVar aggregate classification (germline): Benign/Likely benign. Review status: criteria provided, multiple submitters, no conflicts (2 of 4 stars). 7 submissions from 7 submitters: Benign (5); Likely benign (2). Last evaluated 2026-02-04.

Conditions:
Primary ciliary dyskinesia. Also called: Ciliary dyskinesia. Identifiers: Orphanet 244, MedGen C0008780, MONDO:0016575, HP:0012265.

Allele frequency attached by ClinVar (database versions not stated): gnomAD exomes 0.04426 and 0.04627; ExAC 0.04526; 1000 Genomes Project 0.04533; 1000 Genomes Project 30x 0.04669; gnomAD 0.05170 and 0.05345; TOPMed 0.05202; ESP Exome Variant Server 0.05318.
gnomAD v4.1: 75,913 of 1,613,206 alleles (4.7%); highest among the groups gnomAD compares: African/African-American, 7%; 2,010 homozygotes.

Submissions (7):

Labcorp Genetics (formerly Invitae), Labcorp
Classification: Benign for Primary ciliary dyskinesia. Last evaluated: 2026-02-04. Review status: criteria provided, single submitter. Criteria: Invitae Variant Classification Sherloc (09022015). Collection method: clinical testing. Allele origin: germline.

Blueprint Genetics
Classification: Likely benign. Last evaluated: 2024-11-27. Review status: criteria provided, single submitter. Criteria: ACMG Guidelines, 2015. Collection method: clinical testing. Allele origin: germline.

Mayo Clinic Laboratories, Mayo Clinic
Classification: Benign. Last evaluated: 2022-04-26. Review status: criteria provided, single submitter. Criteria: ACMG Guidelines, 2015. Collection method: clinical testing. Allele origin: germline. Observed: 15 variant alleles.

GeneDx
Classification: Benign. Last evaluated: 2018-11-10. Review status: criteria provided, single submitter. Criteria: GeneDx Variant Classification Process June 2021. Collection method: clinical testing. Allele origin: germline. Affected: yes.

Laboratory for Molecular Medicine, Mass General Brigham Personalized Medicine
Classification: Benign. Last evaluated: 2013-02-21. Review status: criteria provided, single submitter. Criteria: LMM Criteria. Collection method: clinical testing. Allele origin: germline. Observed: 8 variant alleles.
Comment: Asp1635Gly in exon 28 of DNAH11: This variant is not expected to have clinical s ignificance because it has been identified in 6.9% (258/3754) of African America n chromosomes from a broad population by the NHLBI Exome Sequencing Project (dbSNP rs17144835).

Breakthrough Genomics
Classification: Likely benign. Review status: criteria provided, single submitter. Criteria: ACMG Guidelines, 2015. Collection method: not provided. Allele origin: germline. Inheritance: Autosomal recessive inheritance. Affected: yes.

PreventionGenetics, part of Exact Sciences
Classification: Benign. Review status: criteria provided, single submitter. Criteria: ACMG Guidelines, 2015. Collection method: clinical testing. Allele origin: germline.

NM_001277115.2(DNAH11):c.4904A>G (p.Asp1635Gly)

Gene: DNAH11 (dynein axonemal heavy chain 11; plus strand). Cytogenetic location: 7p15.3.
Variant type: single nucleotide variant.
Coding change: c.4904A>G on transcript NM_001277115.2 (MANE Select); coding-DNA position 4904, A replaced by G.
Protein change: p.Asp1635Gly; replaces aspartic acid 1635 with glycine.
Molecular consequence: missense variant.
Genome position (GRCh38, 1-based): chr7:21,639,025, A>G. VCF-style: chr7-21639025-A-G. GRCh37 (hg19) VCF-style: chr7-21678643-A-G.
Other names: short protein forms D1635G.
Identifiers: ClinVar variation 163105 (VCV000163105.23), dbSNP rs17144835, ClinGen allele CA175720.